The following is an entry in ClinVar:

ClinVar aggregate classification (germline): Uncertain significance (1 of 4 stars; one submission).

Allele frequency attached by ClinVar (database versions not stated): ExAC 0.00001; gnomAD exomes 0.00001; TOPMed 0.00004; gnomAD 0.00011.
gnomAD v4.1: 38 of 1,610,708 alleles (0.0024%); highest among the groups gnomAD compares: Admixed American, 0.032%; no homozygotes.

Submission:

Labcorp Genetics (formerly Invitae), Labcorp
Classification: Uncertain significance. Last evaluated: 2022-09-06. Review status: criteria provided, single submitter. Criteria: Invitae Variant Classification Sherloc (09022015). Collection method: clinical testing. Allele origin: germline.
Comment: This sequence change replaces isoleucine, which is neutral and non-polar, with valine, which is neutral and non-polar, at codon 428 of the PIK3C2A protein (p.Ile428Val). This variant is present in population databases (rs776548184, gnomAD 0.006%). This variant has not been reported in the literature in individuals affected with PIK3C2A-related conditions. Experimental studies and prediction algorithms are not available or were not evaluated, and the functional significance of this variant is currently unknown. In summary, the available evidence is currently insufficient to determine the role of this variant in disease. Therefore, it has been classified as a Variant of Uncertain Significance.

NM_002645.4(PIK3C2A):c.1282A>G (p.Ile428Val)

Gene: PIK3C2A (phosphatidylinositol-4-phosphate 3-kinase catalytic subunit type 2 alpha; minus strand). Cytogenetic location: 11p15.1.
Variant type: single nucleotide variant.
Coding change: c.1282A>G on transcript NM_002645.4 (MANE Select); coding-DNA position 1282, A replaced by G.
Protein change: p.Ile428Val; replaces isoleucine 428 with valine.
Molecular consequence: missense variant.
Genome position (GRCh38, 1-based): chr11:17,150,543, T>C on the plus strand (A>G on the coding strand, the complement: PIK3C2A is on the minus strand). VCF-style: chr11-17150543-T-C. GRCh37 (hg19) VCF-style: chr11-17172090-T-C.
Other names: c.1282A>G, p.Ile428Val (NM_001321378.2, NM_001386870.1); c.142A>G, p.Ile48Val (NM_001321380.2); short protein forms I48V, I428V.
Identifiers: ClinVar variation 2048316 (VCV002048316.1), dbSNP rs776548184, ClinGen allele CA5901402.